The following is an entry in ClinVar:

ClinVar aggregate classification (germline): Pathogenic. Review status: criteria provided, multiple submitters, no conflicts (2 of 4 stars). 14 submissions from 14 submitters: Pathogenic (12). 2 of the submissions do not count toward it. Last evaluated 2025-08-23.

Conditions:
Early-infantile DEE. Also called: Ohtahara syndrome; Early infantile epileptic encephalopathy; Early infantile epileptic encephalopathy with suppression bursts. Identifiers: Orphanet 1934, MedGen C0393706, MONDO:0800491.
KCNQ2-Related Disorders. Also called: KCNQ2-related condition; KCNQ2-related disorder. Identifiers: MedGen CN169299.
Developmental and epileptic encephalopathy, 7 (DEE7). Also called: KCNQ2-Related Neonatal Epileptic Encephalopathy; Early infantile epileptic encephalopathy 7; KCNQ2-Related Neonatal-Onset Developmental and Epileptic Encephalopathy (NEO-DEE). Identifiers: Orphanet 439218, MedGen C3150986, MONDO:0013387, OMIM 613720.

Submissions 1 to 10 of 20:

3billion
Classification: Pathogenic for Developmental and epileptic encephalopathy, 7. Last evaluated: 2025-08-23. Review status: criteria provided, single submitter. Criteria: ACMG Guidelines, 2015. Collection method: clinical testing. Allele origin: germline. Affected: yes.
Comment: The variant is not observed in the gnomAD v4.1.0 dataset. Predicted Consequence/Location: The variant is located in a mutational hot spot and/or well-established functional domain in which established pathogenic variants have been reported. In silico tool predictions suggest damaging effect of the variant on gene or gene product [REVEL: 0.85 (>=0.6, sensitivity 0.68 and specificity 0.92); 3Cnet: 1.00 (> 0.75, sensitivity 0.96 and precision 0.92)]. The same nucleotide change resulting in the same amino acid change has been previously reported as pathogenic/likely pathogenic with strong evidence (ClinVar ID: VCV000279931 /PMID: 24107868). Different missense changes at the same codon (p.Arg210Cys, p.Arg210Pro) have been reported as pathogenic/likely pathogenic with strong evidence (ClinVar ID: VCV000205873, VCV000280614 /PMID: 25818041, 33134511). Therefore, this variant is classified as Pathogenic according to the recommendation of ACMG/AMP guideline.

Variantyx, Inc.
Classification: Pathogenic for Developmental and epileptic encephalopathy, 7. Last evaluated: 2025-04-14. Review status: criteria provided, single submitter. Criteria: Variantyx Assertion Criteria 2022. Collection method: clinical testing. Allele origin: de novo. Inheritance: Autosomal dominant inheritance. Affected: yes.
Comment: This is a nonsynonymous variant in the KCNQ2 gene (OMIM: 602235). Pathogenic variants in this gene have been associated with autosomal dominant developmental and epileptic encephalopathy 7. Functional studies have shown that this variant alters KCNQ2 protein function (PMID: 28283543) (PS3), and multiple computational algorithms predict a deleterious effect for this variant (REVEL score: 0.85) (PP3). Moreover, several alternate amino acid changes at this position ((c.629G>C (p.Arg210Pro); c.628C>T (p.Arg210Cys)) have been previously reported in similarly affected individuals, which suggests that this residue is biologically important (PMID: 25818041, 28602030) (PM5). This variant is absent from control populations (PM2). Based on the current evidence, this variant is classified as pathogenic for autosomal dominant developmental and epileptic encephalopathy 7.

Labcorp Genetics (formerly Invitae), Labcorp
Classification: Pathogenic for Early-infantile DEE. Last evaluated: 2025-03-29. Review status: criteria provided, single submitter. Criteria: Invitae Variant Classification Sherloc (09022015). Collection method: clinical testing. Allele origin: germline.
Comment: This sequence change replaces arginine, which is basic and polar, with histidine, which is basic and polar, at codon 210 of the KCNQ2 protein (p.Arg210His). This variant is not present in population databases (gnomAD no frequency). This missense change has been observed in individual(s) with early infantile epileptic encephalopathy (PMID: 24107868, 24371303, 25880994, 26446091). In at least one individual the variant was observed to be de novo. ClinVar contains an entry for this variant (Variation ID: 279931). Invitae Evidence Modeling of protein sequence and biophysical properties (such as structural, functional, and spatial information, amino acid conservation, physicochemical variation, residue mobility, and thermodynamic stability) indicates that this missense variant is expected to disrupt KCNQ2 protein function with a positive predictive value of 95%. Experimental studies have shown that this missense change affects KCNQ2 function (PMID: 28283543). For these reasons, this variant has been classified as Pathogenic.

Institute of Medical Genetics and Genomics, Sir Ganga Ram Hospital
Classification: Pathogenic for Developmental and epileptic encephalopathy, 7. Last evaluated: 2023-10-20. Review status: criteria provided, single submitter. Criteria: ACMG Guidelines, 2015. Collection method: clinical testing. Allele origin: de novo. Inheritance: Autosomal dominant inheritance. Affected: yes. Observed: 1 heterozygote.
Comment: This variant is absent from gnomAD database [PM2]. Insilico prediction predicts a deleterious nature of this variant, REVEL score: 0.85. Based on the familial segregation is was found to be a “de-novo” variant. There is a clinvar entry [Variation ID: 279931] for this variant with a Pathogenic interpretation by multiple submitters [PP5]. PMID [26446091]

Revvity Omics, Revvity
Classification: Pathogenic. Last evaluated: 2023-03-23. Review status: criteria provided, single submitter. Criteria: ACMG Guidelines, 2015. Collection method: clinical testing. Allele origin: germline.

Department of Genetics, Sultan Qaboos University Hospital
Classification: Pathogenic for Developmental and epileptic encephalopathy 7. Last evaluated: 2022-06-30. Review status: criteria provided, single submitter. Criteria: ACMG Guidelines, 2015. Collection method: clinical testing. Allele origin: germline.

CeGaT Center for Human Genetics Tuebingen
Classification: Pathogenic. Last evaluated: 2021-09-01. Review status: criteria provided, single submitter. Criteria: CeGaT Center For Human Genetics Tuebingen Variant Classification Criteria Version 2. Collection method: clinical testing. Allele origin: germline. Affected: yes. Observed: 2 variant alleles.

Victorian Clinical Genetics Services, Murdoch Childrens Research Institute
Classification: Pathogenic for Developmental and epileptic encephalopathy, 7. Last evaluated: 2020-10-19. Review status: criteria provided, single submitter. Criteria: ACMG Guidelines, 2015. Collection method: clinical testing. Allele origin: germline. Inheritance: Autosomal dominant inheritance. Affected: yes.
Comment: Based on the classification scheme VCGS_Germline_v1.3.3, this variant is classified as Pathogenic. Following criteria are met: 0103 - Dominant negative and loss of function are known mechanisms of disease in this gene and are associated with epileptic encephalopathy, early infantile, 7 (MIM#613720). Missense have been reported with a dominant negative mechanism, causing both early infantile epileptic encephalopathy and benign neonatal seizures (OMIM, PMID 24318194). (I) 0107 - This gene is associated with autosomal dominant disease. (I) 0115 - Variants in this gene are known to have variable expressivity. Some variants have been reported with both severe infantile onset epileptic encephalopathy and milder benign seizures (OMIM) (I) 0200 - Variant is predicted to result in a missense amino acid change from arginine to histidine. (I) 0251 - This variant is heterozygous. (I) 0301 - Variant is absent from gnomAD (both v2 and v3). (SP) 0501 - Missense variant consistently predicted to be damaging by multiple in silico tools or highly conserved with a major amino acid change. (SP) 0603 - Missense variant in a region that is highly intolerant to missense variation (high constraint region in DECIPHER). (SP) 0702 - Other missense variants comparable to the one identified in this case have strong previous evidence for pathogenicity. Alternative changes (p.Arg210Pro, p.Arg210Cys) have been reported in several de novo patients with infantile onset epileptic encephalopathy (ClinVar, PMID: 25818041). (SP) 0801 - This variant has strong previous evidence of pathogenicity in unrelated individuals. This variant has been reported in multiple de novo patients with infantile onset epileptic encephalopathy (ClinVar, PMID: 24107868, PMID: 24371303, PMID: 26446091). (SP) Legend: (SP) - Supporting pathogenic, (I) - Information, (SB) - Supporting benign

Clinical Molecular Genetics Laboratory, Johns Hopkins All Children's Hospital
Classification: Pathogenic for Early infantile epileptic encephalopathy 7. Last evaluated: 2019-07-17. Review status: criteria provided, single submitter. Criteria: ACMG Guidelines, 2015. Collection method: clinical testing. Allele origin: germline. Inheritance: Autosomal dominant inheritance. Affected: yes. Observed: 1 heterozygote.

Rady Children's Institute for Genomic Medicine, Rady Children's Hospital San Diego
Classification: Pathogenic for EPILEPTIC ENCEPHALOPATHY, EARLY INFANTILE, 7. Last evaluated: 2019-07-10. Review status: criteria provided, single submitter. Criteria: ACMG Guidelines, 2015. Collection method: clinical testing. Allele origin: germline. Affected: yes.
Comment: The p.Arg210His variant has been reported as a de novo change in multiple individuals with epileptic encephalopathy (PMID: 24107868, 24371303, 25880994, 26446091). It is absent from the ExAC and gnomAD population databases and thus is presumed to be rare. The p.Arg210His variant affects a highly conserved amino acid and is predicted by multiple in silico tools to have a deleterious effect on protein function. This substitution is predicted to be within the transmembrane segment S4 voltage sensor. Functional studies have demonstrated that the p.Arg210His variant disrupts the normal channel conductance activity of the KCNQ2 protein (PMID: 28283543). Analysis of the parental samples was negative for the variant, indicating this variant likely occurred as a de novo event. Based on the available evidence, the c.629G>A (p.Arg210His) variant is classified as Pathogenic.

NM_172107.4(KCNQ2):c.629G>A (p.Arg210His)

Gene: KCNQ2 (potassium voltage-gated channel subfamily Q member 2; minus strand). Cytogenetic location: 20q13.33.
Variant type: single nucleotide variant.
Coding change: c.629G>A on transcript NM_172107.4 (MANE Select); coding-DNA position 629, G replaced by A.
Protein change: p.Arg210His; replaces arginine 210 with histidine.
Molecular consequence: missense variant.
Genome position (GRCh38, 1-based): chr20:63,444,720, C>T on the plus strand (G>A on the coding strand, the complement: KCNQ2 is on the minus strand). VCF-style: chr20-63444720-C-T. GRCh37 (hg19) VCF-style: chr20-62076073-C-T.
Other names: c.629G>A, p.Arg210His (NM_004518.6, NM_172106.3, NM_172108.5 and 1 more transcripts); short protein forms R210H.
Identifiers: ClinVar variation 279931 (VCV000279931.70), dbSNP rs886041262, ClinGen allele CA10603489.